The following is an entry in ClinVar:

ClinVar aggregate classification (germline): Conflicting classifications of pathogenicity. Review status: criteria provided, conflicting classifications (1 of 4 stars). 2 submissions from 2 submitters: Likely pathogenic (1); Uncertain significance (1). Last evaluated 2025-07-16.

Conditions:
Ataxia-telangiectasia syndrome (AT). Also called: ATAXIA-TELANGIECTASIA, COMPLEMENTATION GROUP A; ATAXIA-TELANGIECTASIA, FRESNO VARIANT; Ataxia-telangiectasia; Ataxia-telangiectasia, complementation group E; LOUIS-BAR SYNDROME; Cerebello-oculocutaneous telangiectasia. Identifiers: Orphanet 100, MedGen C0004135, MONDO:0008840, OMIM 208900.

gnomAD v4.1: 1 of 1,613,262 alleles (0.000062%); highest among the groups gnomAD compares: South Asian, 0.0011%; no homozygotes.

Submissions (2):

Labcorp Genetics (formerly Invitae), Labcorp
Classification: Likely pathogenic for Ataxia-telangiectasia syndrome. Last evaluated: 2025-07-16. Review status: criteria provided, single submitter. Criteria: Invitae Variant Classification Sherloc (09022015). Collection method: clinical testing. Allele origin: germline.
Comment: This sequence change replaces tyrosine, which is neutral and polar, with serine, which is neutral and polar, at codon 2627 of the ATM protein (p.Tyr2627Ser). This variant is present in population databases (no rsID available, gnomAD 0.003%). This variant has not been reported in the literature in individuals affected with ATM-related conditions. ClinVar contains an entry for this variant (Variation ID: 2162281). Invitae Evidence Modeling of protein sequence and biophysical properties (such as structural, functional, and spatial information, amino acid conservation, physicochemical variation, residue mobility, and thermodynamic stability) indicates that this missense variant is expected to disrupt ATM protein function with a positive predictive value of 95%. This variant disrupts the p.Tyr2627 amino acid residue in ATM. Other variant(s) that disrupt this residue have been determined to be pathogenic (PMID: 22071889, 27664052). This suggests that this residue is clinically significant, and that variants that disrupt this residue are likely to be disease-causing. In summary, the currently available evidence indicates that the variant is pathogenic, but additional data are needed to prove that conclusively. Therefore, this variant has been classified as Likely Pathogenic.

Women's Health and Genetics/Laboratory Corporation of America, LabCorp
Classification: Uncertain significance. Last evaluated: 2024-02-16. Review status: criteria provided, single submitter. Criteria: LabCorp Variant Classification Summary - May 2015. Collection method: clinical testing. Allele origin: germline.
Comment: Variant summary: ATM c.7880A>C (p.Tyr2627Ser) results in a non-conservative amino acid change in the encoded protein sequence. Five of five in-silico tools predict a damaging effect of the variant on protein function. The variant allele was found at a frequency of 4e-06 in 250834 control chromosomes. The available data on variant occurrences in the general population are insufficient to allow any conclusion about variant significance. To our knowledge, no occurrence of c.7880A>C in individuals affected with Breast Cancer and no experimental evidence demonstrating its impact on protein function have been reported. Additionally, at least one variant at the Tyr2627 residue has been reported as associated with disease (p.Tyr2627His), suggesting that this codon is functionally important. These data indicate that the variant is very likely to be associated with disease.ClinVar contains an entry for this variant (Variation ID: 2162281). Based on the evidence outlined above, the variant was classified as uncertain significance.

Literature cited by the submitters: PubMed 22071889 (cited by Labcorp Genetics (formerly Invitae), Labcorp); PubMed 27664052 (cited by Labcorp Genetics (formerly Invitae), Labcorp).

NM_000051.4(ATM):c.7880A>C (p.Tyr2627Ser)

Genes: C11orf65 (chromosome 11 open reading frame 65; minus strand), ATM (ATM serine/threonine kinase; plus strand). Cytogenetic location: 11q22.3.
Variant type: single nucleotide variant.
Coding change: c.7880A>C on transcript NM_000051.4 (MANE Select); coding-DNA position 7880, A replaced by C.
Protein change: p.Tyr2627Ser; replaces tyrosine 2627 with serine.
Molecular consequence: missense variant. On other transcripts: intron variant (2).
Genome position (GRCh38, 1-based): chr11:108,332,853, A>C. VCF-style: chr11-108332853-A-C. GRCh37 (hg19) VCF-style: chr11-108203580-A-C.
Other names: c.7880A>C, p.Tyr2627Ser (NM_001351834.2); c.641-23782T>G (NM_001330368.2); c.*38+2367T>G (NM_001351110.2); short protein forms Y2627S.
Identifiers: ClinVar variation 2162281 (VCV002162281.3), dbSNP rs767670019, ClinGen allele CA382561431.